The following is an entry in ClinVar:

NM_000264.5(PTCH1):c.573C>A (p.Tyr191Ter)

Gene: PTCH1 (patched 1; minus strand). Cytogenetic location: 9q22.32.
Variant type: single nucleotide variant.
Coding change: c.573C>A on transcript NM_000264.5 (MANE Select); coding-DNA position 573, C replaced by A.
Protein change: p.Tyr191Ter; replaces tyrosine 191 with a stop codon.
Molecular consequence: nonsense. On other transcripts: non-coding transcript variant (1).
Genome position (GRCh38, 1-based): chr9:95,485,696, G>T on the plus strand (C>A on the coding strand, the complement: PTCH1 is on the minus strand). VCF-style: chr9-95485696-G-T. GRCh37 (hg19) VCF-style: chr9-98247978-G-T.
Other names: c.375C>A, p.Tyr125Ter (NM_001083602.3, NM_001354919.2); c.570C>A, p.Tyr190Ter (NM_001083603.3); c.120C>A, p.Tyr40Ter (NM_001083604.3, NM_001083605.3, NM_001083606.3 and 1 more transcripts); c.573C>A, p.Tyr191Ter (NM_001354918.2); short protein forms Y190*, Y40*, Y191*, Y125*.
Identifiers: ClinVar variation 1379502 (VCV001379502.6), dbSNP rs1249050389, ClinGen allele CA374116602.
Genomic context (GRCh38, chr9:95,485,696, plus strand): 5'-CCACCGCCTTACCTGCTGCTCATTAGTAGGTGGACGCGGCGGGCCTTACCTGTTGTACAT[G>T]TATACATGGACACGGCTGGCCTGGAGTGCCGAGTCCAGGTGTTGTAGGAGCGCTTCTGTG-3'

ClinVar aggregate classification (germline): Pathogenic (1 of 4 stars; one submission).

Conditions:
Gorlin syndrome. Also called: Basal cell nevus syndrome; Nevoid Basal Cell Carcinoma Syndrome. Identifiers: Orphanet 377, MedGen C0004779, MONDO:0007187.

Submission:

Labcorp Genetics (formerly Invitae), Labcorp
Classification: Pathogenic for Gorlin syndrome. Last evaluated: 2021-07-22. Review status: criteria provided, single submitter. Criteria: Invitae Variant Classification Sherloc (09022015). Collection method: clinical testing. Allele origin: germline.
Comment: For these reasons, this variant has been classified as Pathogenic. This premature translational stop signal has been observed in individual(s) with basal cell nevus syndrome (PMID: 30368514, 30754660). This variant is not present in population databases (ExAC no frequency). This sequence change creates a premature translational stop signal (p.Tyr191*) in the PTCH1 gene. It is expected to result in an absent or disrupted protein product. Loss-of-function variants in PTCH1 are known to be pathogenic (PMID: 16301862, 16419085).

Literature cited by the submitters: PubMed 30368514; PubMed 30754660; PubMed 16301862; PubMed 16419085.